The following is an entry in ClinVar:

ClinVar aggregate classification (germline): Likely pathogenic. Review status: criteria provided, multiple submitters, no conflicts (2 of 4 stars). 2 submissions from 2 submitters: Likely pathogenic (2). Last evaluated 2023-12-10.

Conditions:
MYO15A-related disorder. Also called: MYO15A-related condition.

Allele frequency attached by ClinVar (database versions not stated): ExAC 0.00001; gnomAD 0.00001 and 0.00002; gnomAD exomes 0.00001; TOPMed 0.00001; ESP Exome Variant Server 0.00008.
gnomAD v4.1: 7 of 1,614,062 alleles (0.00043%); highest among the groups gnomAD compares: Non-Finnish European, 0.00051%; no homozygotes.

Submissions (2):

Labcorp Genetics (formerly Invitae), Labcorp
Classification: Likely pathogenic. Last evaluated: 2023-12-10. Review status: criteria provided, single submitter. Criteria: Invitae Variant Classification Sherloc (09022015). Collection method: clinical testing. Allele origin: germline.
Comment: This sequence change affects an acceptor splice site in intron 20 of the MYO15A gene. It is expected to disrupt RNA splicing. Variants that disrupt the donor or acceptor splice site typically lead to a loss of protein function (PMID: 16199547), and loss-of-function variants in MYO15A are known to be pathogenic (PMID: 17546645). This variant is present in population databases (rs369700898, gnomAD 0.002%). This variant has not been reported in the literature in individuals affected with MYO15A-related conditions. ClinVar contains an entry for this variant (Variation ID: 1466278). Algorithms developed to predict the effect of sequence changes on RNA splicing suggest that this variant may disrupt the consensus splice site. In summary, the currently available evidence indicates that the variant is pathogenic, but additional data are needed to prove that conclusively. Therefore, this variant has been classified as Likely Pathogenic.

Blueprint Genetics
Classification: Likely pathogenic for MYO15A-related disorders. Last evaluated: 2022-07-06. Review status: criteria provided, single submitter. Criteria: ACMG Guidelines, 2015. Collection method: clinical testing. Allele origin: germline. Affected: yes. Observed: 2 variant alleles.

Literature cited by the submitters: PubMed 16199547 (cited by Labcorp Genetics (formerly Invitae), Labcorp); PubMed 17546645 (cited by Labcorp Genetics (formerly Invitae), Labcorp).

NM_016239.4(MYO15A):c.5361-1G>T

Gene: MYO15A (myosin XVA; plus strand). Cytogenetic location: 17p11.2.
Variant type: single nucleotide variant.
Coding change: c.5361-1G>T on transcript NM_016239.4 (MANE Select); the canonical splice acceptor site of the intron before coding-DNA position 5361, G replaced by T.
Molecular consequence: splice acceptor variant.
Genome position (GRCh38, 1-based): chr17:18,140,786, G>T. VCF-style: chr17-18140786-G-T. GRCh37 (hg19) VCF-style: chr17-18044100-G-T.
Identifiers: ClinVar variation 1466278 (VCV001466278.7), dbSNP rs369700898, ClinGen allele CA8424254.
Genomic context (GRCh38, chr17:18,140,786, plus strand): 5'-TCAGAGGTTGAGCGCCTTCTTTTTCTGAGGCCTCATGCTGTCCTCTTCCTGCCACTGCCA[G>T]GTGCAACCCCTTGTTCATGCGTTGCCTGAAGCCCAACCACAAGAAGGTGAGTGAGAGCTG-3'